The following is an entry in ClinVar:

NM_018433.6(KDM3A):c.36G>C (p.Leu12Phe)

Gene: KDM3A (lysine demethylase 3A; plus strand). Cytogenetic location: 2p11.2.
Variant type: single nucleotide variant.
Coding change: c.36G>C on transcript NM_018433.6 (MANE Select); coding-DNA position 36, G replaced by C.
Protein change: p.Leu12Phe; replaces leucine 12 with phenylalanine.
Molecular consequence: missense variant.
Genome position (GRCh38, 1-based): chr2:86,442,083, G>C. VCF-style: chr2-86442083-G-C. GRCh37 (hg19) VCF-style: chr2-86669206-G-C.
Other names: c.36G>C, p.Leu12Phe (NM_001146688.2); short protein forms L12F.
Identifiers: ClinVar variation 4985053 (VCV004985053.1).

ClinVar aggregate classification (germline): Likely benign (1 of 4 stars; one submission).

Conditions:
KDM3A-related disorder. Also called: KDM3A-related condition.

gnomAD v4.1: 205 of 1,614,132 alleles (0.013%); highest among the groups gnomAD compares: Admixed American, 0.3%; 1 homozygote.

Submission:

PreventionGenetics, part of Exact Sciences
Classification: Likely benign for KDM3A-related condition. Last evaluated: 2026-02-19. Review status: criteria provided, single submitter. Criteria: ACMG Guidelines, 2015. Collection method: clinical testing. Allele origin: germline.
Comment: This variant is classified as likely benign based on ACMG/AMP sequence variant interpretation guidelines (Richards et al. 2015 PMID: 25741868, with internal and published modifications).